The following is an entry in ClinVar:

ClinVar aggregate classification (germline): Uncertain significance (1 of 4 stars; one submission).

Allele frequency attached by ClinVar (database versions not stated): gnomAD exomes below 0.00001.

Submission:

GeneDx
Classification: Uncertain significance. Last evaluated: 2019-04-15. Review status: criteria provided, single submitter. Criteria: GeneDx Variant Classification Process June 2021. Collection method: clinical testing. Allele origin: germline. Affected: yes.
Comment: Frameshift variant predicted to result in protein truncation in a gene for which loss-of-function is a known mechanism of disease; Has not been previously published as pathogenic or benign to our knowledge

NM_005430.4(WNT1):c.258del (p.Gln87fs)

Gene: WNT1 (Wnt family member 1; plus strand). Cytogenetic location: 12q13.12.
Variant type: Deletion.
Coding change: c.258del on transcript NM_005430.4 (MANE Select); coding-DNA position 258, one base deleted (G; older notation c.258delG).
Protein change: p.Gln87fs; shifts the reading frame from glutamine 87.
Molecular consequence: frameshift variant.
Genome position (GRCh38, 1-based): chr12:48,979,621, G deleted. VCF-style (leftmost placement, unchanged base first): chr12-48979620-TG-T. GRCh37 (hg19) VCF-style: chr12-49373403-TG-T.
Other names: short protein forms Q87fs.
Identifiers: ClinVar variation 1305084 (VCV001305084.2), dbSNP rs1170819232, ClinGen allele CA605233766.